The following is an entry in ClinVar:

ClinVar aggregate classification (germline): Uncertain significance (1 of 4 stars; one submission).

Conditions:
Immunodeficiency, common variable, 7. Identifiers: Orphanet 1572, Orphanet 696894, MedGen C3542922, MONDO:0013862, OMIM 614699.

Submission:

Labcorp Genetics (formerly Invitae), Labcorp
Classification: Uncertain significance for Immunodeficiency, common variable, 7. Last evaluated: 2025-02-10. Review status: criteria provided, single submitter. Criteria: Invitae Variant Classification Sherloc (09022015). Collection method: clinical testing. Allele origin: germline.
Comment: This sequence change replaces glutamine, which is neutral and polar, with histidine, which is basic and polar, at codon 820 of the CR2 protein (p.Gln820His). This variant is not present in population databases (gnomAD no frequency). This variant has not been reported in the literature in individuals affected with CR2-related conditions. ClinVar contains an entry for this variant (Variation ID: 2140957). An algorithm developed to predict the effect of missense changes on protein structure and function (PolyPhen-2) suggests that this variant is likely to be tolerated. In summary, the available evidence is currently insufficient to determine the role of this variant in disease. Therefore, it has been classified as a Variant of Uncertain Significance.

NM_001006658.3(CR2):c.2460G>T (p.Gln820His)

Gene: CR2 (complement C3d receptor 2; plus strand). Cytogenetic location: 1q32.2.
Variant type: single nucleotide variant.
Coding change: c.2460G>T on transcript NM_001006658.3 (MANE Select); coding-DNA position 2460, G replaced by T.
Protein change: p.Gln820His; replaces glutamine 820 with histidine.
Molecular consequence: missense variant.
Genome position (GRCh38, 1-based): chr1:207,474,960, G>T. VCF-style: chr1-207474960-G-T. GRCh37 (hg19) VCF-style: chr1-207648305-G-T.
Other names: c.2283G>T, p.Gln761His (NM_001877.5); short protein forms Q820H, Q761H.
Identifiers: ClinVar variation 2140957 (VCV002140957.4), dbSNP rs2527227210, ClinGen allele CA344538052.